The following is an entry in ClinVar:

ClinVar aggregate classification (germline): Uncertain significance. Review status: criteria provided, multiple submitters, no conflicts (2 of 4 stars). 2 submissions from 2 submitters: Uncertain significance (2). Last evaluated 2025-09-28.

Conditions:
Tietz syndrome (TADS). Also called: ALBINISM-DEAFNESS OF TIETZ; HYPOPIGMENTATION/DEAFNESS OF TIETZ; TIETZ ALBINISM-DEAFNESS SYNDROME. Identifiers: Orphanet 42665, MedGen C0391816, MONDO:0007077, OMIM 103500.
Waardenburg syndrome type 2A (WS2A). Also called: WAARDENBURG SYNDROME WITHOUT DYSTOPIA CANTHORUM. Identifiers: Orphanet 3440, MedGen C1860339, MONDO:0008671, OMIM 193510.
Melanoma, cutaneous malignant, susceptibility to, 8. Also called: MELANOMA AND RENAL CELL CARCINOMA, SUSCEPTIBILITY TO; Cutaneous malignant melanoma 8. Identifiers: Orphanet 293822, MedGen C3152204, MONDO:0013759, OMIM 614456.
Hereditary cancer-predisposing syndrome. Also called: Neoplastic Syndromes, Hereditary; Tumor predisposition; Hereditary Cancer Syndrome; Hereditary neoplastic syndrome. Identifiers: Orphanet 140162, MedGen C0027672, MeSH D009386, MONDO:0015356.

Submissions (2):

Ambry Genetics
Classification: Uncertain significance for Hereditary cancer-predisposing syndrome. Last evaluated: 2025-09-28. Review status: criteria provided, single submitter. Criteria: Ambry Variant Classification Scheme 2023. Collection method: clinical testing. Allele origin: germline.
Comment: The p.M77T variant (also known as c.230T>C), located in coding exon 2 of the MITF gene, results from a T to C substitution at nucleotide position 230. The methionine at codon 77 is replaced by threonine, an amino acid with similar properties. This amino acid position is conserved. In addition, this alteration is predicted to be tolerated by in silico analysis. Based on the available evidence, the clinical significance of this variant remains unclear.

Labcorp Genetics (formerly Invitae), Labcorp
Classification: Uncertain significance for Melanoma, cutaneous malignant, susceptibility to, 8; Waardenburg syndrome type 2A; Tietz syndrome. Last evaluated: 2025-08-05. Review status: criteria provided, single submitter. Criteria: Invitae Variant Classification Sherloc (09022015). Collection method: clinical testing. Allele origin: germline.
Comment: This sequence change replaces methionine, which is neutral and non-polar, with threonine, which is neutral and polar, at codon 77 of the MITF protein (p.Met77Thr). This variant is not present in population databases (gnomAD no frequency). This variant has not been reported in the literature in individuals affected with MITF-related conditions. Invitae Evidence Modeling of protein sequence and biophysical properties (such as structural, functional, and spatial information, amino acid conservation, physicochemical variation, residue mobility, and thermodynamic stability) indicates that this missense variant is not expected to disrupt MITF protein function with a negative predictive value of 80%. In summary, the available evidence is currently insufficient to determine the role of this variant in disease. Therefore, it has been classified as a Variant of Uncertain Significance.

NM_001354604.2(MITF):c.551T>C (p.Met184Thr)

Gene: MITF (melanocyte inducing transcription factor; plus strand). Cytogenetic location: 3p13.
Variant type: single nucleotide variant.
Coding change: c.551T>C on transcript NM_001354604.2 (MANE Select); coding-DNA position 551, T replaced by C.
Protein change: p.Met184Thr; replaces methionine 184 with threonine.
Molecular consequence: missense variant. On other transcripts: intron variant (1).
Genome position (GRCh38, 1-based): chr3:69,938,018, T>C. VCF-style: chr3-69938018-T-C. GRCh37 (hg19) VCF-style: chr3-69987169-T-C.
Other names: c.230T>C, p.Met77Thr (NM_000248.4, NM_001184968.2, NM_198158.3); c.395T>C, p.Met132Thr (NM_001184967.2, NM_001354608.2); c.548T>C, p.Met183Thr (NM_001354605.2, NM_001354606.2, NM_006722.3); c.500T>C, p.Met167Thr (NM_001354607.2); c.551T>C, p.Met184Thr (NM_198159.3); c.503T>C, p.Met168Thr (NM_198177.3); c.93+137T>C (NM_198178.3); short protein forms M77T, M132T, M168T, M183T, M184T, M167T.
Identifiers: ClinVar variation 4648542 (VCV004648542.2).